The following is an entry in ClinVar:

NM_004621.6(TRPC6):c.478C>T (p.Arg160Ter)

Gene: TRPC6 (transient receptor potential cation channel subfamily C member 6; minus strand). Cytogenetic location: 11q22.1.
Variant type: single nucleotide variant.
Coding change: c.478C>T on transcript NM_004621.6 (MANE Select); coding-DNA position 478, C replaced by T.
Protein change: p.Arg160Ter; replaces arginine 160 with a stop codon.
Molecular consequence: nonsense.
Genome position (GRCh38, 1-based): chr11:101,504,491, G>A on the plus strand (C>T on the coding strand, the complement: TRPC6 is on the minus strand). VCF-style: chr11-101504491-G-A. GRCh37 (hg19) VCF-style: chr11-101375222-G-A.
Other names: short protein forms R160*.
Identifiers: ClinVar variation 3235153 (VCV003235153.1), dbSNP rs201779770.

ClinVar aggregate classification (germline): Uncertain significance (1 of 4 stars; one submission).

Conditions:
Focal segmental glomerulosclerosis 2 (FSGS2). Identifiers: Orphanet 656, MedGen C1858915, MONDO:0011390, OMIM 603965.

Allele frequency attached by ClinVar (database versions not stated): gnomAD exomes below 0.00001; gnomAD 0.00001; TOPMed 0.00001.
gnomAD v4.1: 7 of 1,613,928 alleles (0.00043%); highest among the groups gnomAD compares: Non-Finnish European, 0.00059%; no homozygotes.

Submission:

MVZ Medizinische Genetik Mainz
Classification: Uncertain significance for Focal segmental glomerulosclerosis 2. Last evaluated: 2024-01-29. Review status: criteria provided, single submitter. Criteria: UK Practice Guidelines For Variant Classification V4 01 2020. Collection method: clinical testing. Allele origin: germline. Inheritance: Autosomal dominant inheritance. Affected: yes. Observed: 2 variant alleles.
Comment: ACMG Criteria: PVS1,PM2_SUP